The following is an entry in ClinVar:

ClinVar aggregate classification (germline): Uncertain significance. Review status: criteria provided, multiple submitters, no conflicts (2 of 4 stars). 2 submissions from 2 submitters: Uncertain significance (2). Last evaluated 2025-05-29.

gnomAD v4.1: 11 of 1,612,466 alleles (0.00068%); highest among the groups gnomAD compares: Admixed American, 0.01%; no homozygotes.

Submissions (2):

Labcorp Genetics (formerly Invitae), Labcorp
Classification: Uncertain significance. Last evaluated: 2025-05-29. Review status: criteria provided, single submitter. Criteria: Invitae Variant Classification Sherloc (09022015). Collection method: clinical testing. Allele origin: germline.
Comment: This sequence change replaces leucine, which is neutral and non-polar, with phenylalanine, which is neutral and non-polar, at codon 5570 of the HMCN1 protein (p.Leu5570Phe). This variant is present in population databases (rs758716527, gnomAD 0.02%). This variant has not been reported in the literature in individuals affected with HMCN1-related conditions. ClinVar contains an entry for this variant (Variation ID: 1903148). An algorithm developed to predict the effect of missense changes on protein structure and function (PolyPhen-2) suggests that this variant is likely to be disruptive. In summary, the available evidence is currently insufficient to determine the role of this variant in disease. Therefore, it has been classified as a Variant of Uncertain Significance.

Ambry Genetics
Classification: Uncertain significance. Last evaluated: 2025-01-23. Review status: criteria provided, single submitter. Criteria: Ambry Variant Classification Scheme 2023. Collection method: clinical testing. Allele origin: germline.

NM_031935.3(HMCN1):c.16708C>T (p.Leu5570Phe)

Gene: HMCN1 (hemicentin 1; plus strand). Cytogenetic location: 1q31.1.
Variant type: single nucleotide variant.
Coding change: c.16708C>T on transcript NM_031935.3 (MANE Select); coding-DNA position 16708, C replaced by T.
Protein change: p.Leu5570Phe; replaces leucine 5570 with phenylalanine.
Molecular consequence: missense variant.
Genome position (GRCh38, 1-based): chr1:186,189,678, C>T. VCF-style: chr1-186189678-C-T. GRCh37 (hg19) VCF-style: chr1-186158810-C-T.
Other names: c.16708C>T (NM_031935.2); short protein forms L5570F.
Identifiers: ClinVar variation 1903148 (VCV001903148.6), dbSNP rs758716527, ClinGen allele CA1295633.